The following is an entry in ClinVar:

NM_000138.5(FBN1):c.5765T>A (p.Leu1922His)

Gene: FBN1 (fibrillin 1; minus strand). Cytogenetic location: 15q21.1.
Variant type: single nucleotide variant.
Coding change: c.5765T>A on transcript NM_000138.5 (MANE Select); coding-DNA position 5765, T replaced by A.
Protein change: p.Leu1922His; replaces leucine 1922 with histidine.
Molecular consequence: missense variant.
Genome position (GRCh38, 1-based): chr15:48,446,729, A>T on the plus strand (T>A on the coding strand, the complement: FBN1 is on the minus strand). VCF-style: chr15-48446729-A-T. GRCh37 (hg19) VCF-style: chr15-48738926-A-T.
Other names: c.5765T>A, p.Leu1922His (NM_001406716.1); short protein forms L1922H.
Identifiers: ClinVar variation 4086554 (VCV004086554.1).

ClinVar aggregate classification (germline): Uncertain significance (1 of 4 stars; one submission).

Submission:

GeneDx
Classification: Uncertain significance. Last evaluated: 2025-03-14. Review status: criteria provided, single submitter. Criteria: GeneDx Variant Classification Process June 2021. Collection method: clinical testing. Allele origin: germline. Affected: yes.
Comment: Not observed at significant frequency in large population cohorts (gnomAD); In silico analysis supports that this missense variant has a deleterious effect on protein structure/function; Has not been previously published as pathogenic or benign to our knowledge; Does not affect a cysteine or calcium-binding residue within an EGF-like domain or a TGF-binding protein domain of the FBN1 gene; cysteine substitutions in the EGF-like domains represent the majority of pathogenic missense changes associated with FBN1-related disorders; This variant is associated with the following publications: (PMID: 12938084)